The following is an entry in ClinVar:

NM_000334.4(SCN4A):c.5075G>C (p.Gly1692Ala)

Genes: GH-LCR (growth hormone locus control region; plus strand), SCN4A (sodium voltage-gated channel alpha subunit 4; minus strand). Cytogenetic location: 17q23.3.
Variant type: single nucleotide variant.
Coding change: c.5075G>C on transcript NM_000334.4 (MANE Select); coding-DNA position 5075, G replaced by C.
Protein change: p.Gly1692Ala; replaces glycine 1692 with alanine.
Molecular consequence: missense variant.
Genome position (GRCh38, 1-based): chr17:63,941,207, C>G on the plus strand (G>C on the coding strand, the complement: SCN4A is on the minus strand). VCF-style: chr17-63941207-C-G. GRCh37 (hg19) VCF-style: chr17-62018567-C-G.
Other names: short protein forms G1692A.
Identifiers: ClinVar variation 2057501 (VCV002057501.4), dbSNP rs754320381, ClinGen allele CA8708841.

ClinVar aggregate classification (germline): Uncertain significance (1 of 4 stars; one submission).

Conditions:
Hyperkalemic periodic paralysis. Also called: Familial hyperkalemic periodic paralysis; Gamstorp disease. Identifiers: Orphanet 682, MedGen C0238357, MONDO:0008224, OMIM 170500, HP:0007215.

Allele frequency attached by ClinVar (database versions not stated): gnomAD exomes below 0.00001; TOPMed 0.00001; ExAC 0.00002.
gnomAD v4.1: 1 of 1,613,814 alleles (0.000062%); highest among the groups gnomAD compares: Admixed American, 0.0017%; no homozygotes.

Submission:

Labcorp Genetics (formerly Invitae), Labcorp
Classification: Uncertain significance for Hyperkalemic periodic paralysis. Last evaluated: 2023-08-24. Review status: criteria provided, single submitter. Criteria: Invitae Variant Classification Sherloc (09022015). Collection method: clinical testing. Allele origin: germline.
Comment: In summary, the available evidence is currently insufficient to determine the role of this variant in disease. Therefore, it has been classified as a Variant of Uncertain Significance. Advanced modeling of protein sequence and biophysical properties (such as structural, functional, and spatial information, amino acid conservation, physicochemical variation, residue mobility, and thermodynamic stability) performed at Invitae indicates that this missense variant is not expected to disrupt SCN4A protein function. ClinVar contains an entry for this variant (Variation ID: 2057501). This variant has not been reported in the literature in individuals affected with SCN4A-related conditions. This variant is present in population databases (rs754320381, gnomAD 0.007%). This sequence change replaces glycine, which is neutral and non-polar, with alanine, which is neutral and non-polar, at codon 1692 of the SCN4A protein (p.Gly1692Ala).